The following is an entry in ClinVar:

NM_206937.2(LIG4):c.437A>G (p.Gln146Arg)

Gene: LIG4 (DNA ligase 4; minus strand). Cytogenetic location: 13q33.3.
Variant type: single nucleotide variant.
Coding change: c.437A>G on transcript NM_206937.2 (MANE Select); coding-DNA position 437, A replaced by G.
Protein change: p.Gln146Arg; replaces glutamine 146 with arginine.
Molecular consequence: missense variant.
Genome position (GRCh38, 1-based): chr13:108,210,832, T>C on the plus strand (A>G on the coding strand, the complement: LIG4 is on the minus strand). VCF-style: chr13-108210832-T-C. GRCh37 (hg19) VCF-style: chr13-108863180-T-C.
Other names: c.236A>G, p.Gln79Arg (NM_001330595.2); c.437A>G, p.Gln146Arg (NM_001352598.2, NM_001352599.2, NM_001352600.2 and 6 more transcripts); c.473A>G, p.Gln158Arg (NM_001352604.2); short protein forms Q146R, Q79R, Q158R.
Identifiers: ClinVar variation 310993 (VCV000310993.6), dbSNP rs754996739, ClinGen allele CA7043841.

ClinVar aggregate classification (germline): Uncertain significance. Review status: criteria provided, multiple submitters, no conflicts (2 of 4 stars). 3 submissions from 2 submitters: Uncertain significance (3). Last evaluated 2025-11-24.

Conditions:
Severe combined immunodeficiency due to DCLRE1C deficiency (RS-SCID). Also called: SCID, AUTOSOMAL RECESSIVE, T CELL-NEGATIVE, B CELL-NEGATIVE, NK CELL-POSITIVE, WITH SENSITIVITY TO IONIZING RADIATION. Identifiers: Orphanet 275, MedGen C1865371, MONDO:0011225, OMIM 602450.
DNA ligase IV deficiency. Identifiers: Orphanet 99812, MedGen C1847827, MONDO:0011686, OMIM 606593.

Allele frequency attached by ClinVar (database versions not stated): TOPMed below 0.00001; gnomAD 0.00001; gnomAD exomes 0.00001 and 0.00002; ExAC 0.00003.
gnomAD v4.1: 22 of 1,613,980 alleles (0.0014%); highest among the groups gnomAD compares: South Asian, 0.024%; no homozygotes.

Submissions (3):

Labcorp Genetics (formerly Invitae), Labcorp
Classification: Uncertain significance for DNA ligase IV deficiency. Last evaluated: 2025-11-24. Review status: criteria provided, single submitter. Criteria: Invitae Variant Classification Sherloc (09022015). Collection method: clinical testing. Allele origin: germline.
Comment: This sequence change replaces glutamine, which is neutral and polar, with arginine, which is basic and polar, at codon 146 of the LIG4 protein (p.Gln146Arg). This variant is present in population databases (rs754996739, gnomAD 0.02%). This variant has not been reported in the literature in individuals affected with LIG4-related conditions. ClinVar contains an entry for this variant (Variation ID: 310993). Invitae Evidence Modeling of protein sequence and biophysical properties (such as structural, functional, and spatial information, amino acid conservation, physicochemical variation, residue mobility, and thermodynamic stability) has been performed for this missense variant. However, the output from this modeling did not meet the statistical confidence thresholds required to predict the impact of this variant on LIG4 protein function. In summary, the available evidence is currently insufficient to determine the role of this variant in disease. Therefore, it has been classified as a Variant of Uncertain Significance.

Illumina Laboratory Services, Illumina
Classification: Uncertain significance for DNA ligase IV deficiency. Last evaluated: 2018-01-13. Review status: criteria provided, single submitter. Criteria: ICSL Variant Classification Criteria 13 December 2019. Collection method: clinical testing. Allele origin: germline.

Illumina Laboratory Services, Illumina
Classification: Uncertain significance for Severe combined immunodeficiency due to DCLRE1C deficiency. Last evaluated: 2018-01-13. Review status: criteria provided, single submitter. Criteria: ICSL Variant Classification Criteria 13 December 2019. Collection method: clinical testing. Allele origin: germline.